The following is an entry in ClinVar:

NM_001365276.2(TNXB):c.8594T>C (p.Met2865Thr)

Gene: TNXB (tenascin XB; minus strand). Cytogenetic location: 6p21.33.
Variant type: single nucleotide variant.
Coding change: c.8594T>C on transcript NM_001365276.2 (MANE Select); coding-DNA position 8594, T replaced by C.
Protein change: p.Met2865Thr; replaces methionine 2865 with threonine.
Molecular consequence: missense variant.
Genome position (GRCh38, 1-based): chr6:32,053,585, A>G on the plus strand (T>C on the coding strand, the complement: TNXB is on the minus strand). VCF-style: chr6-32053585-A-G. GRCh37 (hg19) VCF-style: chr6-32021362-A-G.
Other names: p.Met2863Thr; c.8588T>C, p.Met2863Thr (NM_019105.8); short protein forms M2863T, M2865T.
Identifiers: ClinVar variation 1266597 (VCV001266597.10), dbSNP rs373158501, ClinGen allele CA3733794.

ClinVar aggregate classification (germline): Benign/Likely benign. Review status: criteria provided, multiple submitters, no conflicts (2 of 4 stars). 6 submissions from 6 submitters: Benign (4); Likely benign (2). Last evaluated 2026-02-04.

Conditions:
Ehlers-Danlos syndrome (EDS). Identifiers: Orphanet 98249, MedGen C0013720, MONDO:0020066.
Cardiovascular phenotype. Identifiers: MedGen CN230736.

Allele frequency attached by ClinVar (database versions not stated): 1000 Genomes Project 0.01378; gnomAD 0.00294 and 0.00198; TOPMed 0.00340; 1000 Genomes Project 30x 0.01265; ESP Exome Variant Server 0.00013.
gnomAD v4.1: 4,636 of 1,613,606 alleles (0.29%); highest among the groups gnomAD compares: East Asian, 7.3%; 149 homozygotes.

Submissions (6):

Labcorp Genetics (formerly Invitae), Labcorp
Classification: Benign. Last evaluated: 2026-02-04. Review status: criteria provided, single submitter. Criteria: Invitae Variant Classification Sherloc (09022015). Collection method: clinical testing. Allele origin: germline.

Women's Health and Genetics/Laboratory Corporation of America, LabCorp
Classification: Likely benign. Last evaluated: 2026-01-22. Review status: criteria provided, single submitter. Criteria: LabCorp Variant Classification Summary - May 2015. Collection method: clinical testing. Allele origin: germline.

Mayo Clinic Laboratories, Mayo Clinic
Classification: Benign. Last evaluated: 2024-08-21. Review status: criteria provided, single submitter. Criteria: ACMG Guidelines, 2015. Collection method: clinical testing. Allele origin: germline. Observed: 6 variant alleles.
Comment: BA1

GeneDx
Classification: Benign. Last evaluated: 2020-12-04. Review status: criteria provided, single submitter. Criteria: GeneDx Variant Classification Process June 2021. Collection method: clinical testing. Allele origin: germline. Affected: yes.

Genome Diagnostics Laboratory, The Hospital for Sick Children
Classification: Benign for Ehlers-Danlos syndrome. Last evaluated: 2020-07-10. Review status: criteria provided, single submitter. Criteria: ACMG Guidelines, 2015. Collection method: clinical testing. Allele origin: germline.

Ambry Genetics
Classification: Likely benign for Cardiovascular phenotype. Last evaluated: 2019-03-04. Review status: criteria provided, single submitter. Criteria: Ambry Variant Classification Scheme 2023. Collection method: clinical testing. Allele origin: germline.

Literature cited by the submitters: PubMed 26275793 (cited by Ambry Genetics).